The following is an entry in ClinVar:

NM_001323289.2(CDKL5):c.1721C>T (p.Pro574Leu)

Gene: CDKL5 (cyclin dependent kinase like 5; plus strand). Cytogenetic location: Xp22.13.
Variant type: single nucleotide variant.
Coding change: c.1721C>T on transcript NM_001323289.2 (MANE Select); coding-DNA position 1721, C replaced by T.
Protein change: p.Pro574Leu; replaces proline 574 with leucine.
Molecular consequence: missense variant.
Genome position (GRCh38, 1-based): chrX:18,604,645, C>T. VCF-style: chrX-18604645-C-T. GRCh37 (hg19) VCF-style: chrX-18622765-C-T.
Other names: p.P574L:CCG>CTG; NM_001323289.2(CDKL5):c.1721C>T; p.Pro574Leu; c.1721C>T, p.Pro574Leu (NM_001037343.2, NM_003159.3); short protein forms P574L.
Identifiers: ClinVar variation 156685 (VCV000156685.18), dbSNP rs199897804, ClinGen allele CA294755.

ClinVar aggregate classification (germline): Benign. Review status: reviewed by expert panel (3 of 4 stars). 4 submissions from 4 submitters: Benign (1). 3 of the submissions do not count toward it. Last evaluated 2024-02-23.

Conditions:
CDKL5 disorder. Identifiers: MedGen CN296942, MONDO:0100039.
Inborn genetic diseases. Identifiers: MedGen C0950123, MeSH D030342.
Developmental and epileptic encephalopathy, 2 (DEE2). Also called: INFANTILE SPASM SYNDROME, X-LINKED 2; CDKL5 deficiency disorder. Identifiers: Orphanet 1934, Orphanet 3451, Orphanet 505652, MedGen C4750718, MONDO:0010396, OMIM 300672.
Angelman syndrome-like. Identifiers: MedGen CN128785.

Allele frequency attached by ClinVar (database versions not stated): ExAC 0.00005; gnomAD 0.00005 and 0.00006; gnomAD exomes 0.00005; TOPMed 0.00005; ESP Exome Variant Server 0.00009.
gnomAD v4.1: 106 of 1,210,356 alleles (0.0088%); highest among the groups gnomAD compares: Non-Finnish European, 0.011%; no homozygotes.

Submissions (4):

ClinGen Rett and Angelman-like Disorders Variant Curation Expert Panel
Classification: Benign for CDKL5 disorder. Last evaluated: 2024-02-23. Review status: reviewed by expert panel. Criteria: ClinGen RettAS ACMG Specifications CDKL5 V3.0.0. Collection method: curation. Allele origin: germline. Inheritance: X-linked inheritance.
Comment: The allele frequency of the p.Pro574Leu variant in CDKL5 is 0.021% in European (Finnish) sub population in gnomAD v2, which is high enough to meet the BS1 criteria based on thresholds defined by the ClinGen Rett/Angelman-like Expert Panel for Rett/AS-like conditions (BS1). The p.Pro574Leu variant is observed in the hemizygous state in at least 2 unaffected individuals (internal database - GeneDx) (BS2). The p.Pro574Leu variant is found in at least 3 patients with an alternate molecular basis of disease (internal database - GeneDx, internal database - Invitae) (BP5_strong). In summary, the p.Pro574Leu variant in CDKL5 is classified as benign based on the ACMG/AMP criteria (BS1, BS2, BP5_strong).

Ambry Genetics
Classification: Likely benign for Inborn genetic diseases. Last evaluated: 2025-11-05. Review status: criteria provided, single submitter. Criteria: Ambry Variant Classification Scheme 2023. Collection method: clinical testing. Allele origin: germline. Not counted in ClinVar's aggregate classification.

Labcorp Genetics (formerly Invitae), Labcorp
Classification: Benign for Developmental and epileptic encephalopathy, 2; Angelman syndrome-like. Last evaluated: 2025-01-08. Review status: criteria provided, single submitter. Criteria: Invitae Variant Classification Sherloc (09022015). Collection method: clinical testing. Allele origin: germline. Not counted in ClinVar's aggregate classification.

GeneDx
Classification: Likely benign. Last evaluated: 2020-12-28. Review status: criteria provided, single submitter. Criteria: GeneDx Variant Classification Process June 2021. Collection method: clinical testing. Allele origin: germline. Affected: yes. Not counted in ClinVar's aggregate classification.